The following is an entry in ClinVar:

ClinVar aggregate classification (germline): Likely pathogenic (1 of 4 stars; one submission).

Conditions:
Arthrogryposis, distal, with impaired proprioception and touch (DAIPT). Identifiers: MedGen C4310692, MONDO:0014941, OMIM 617146.

Allele frequency attached by ClinVar (database versions not stated): TOPMed below 0.00001; gnomAD 0.00001; ExAC 0.00006.
gnomAD v4.1: 3 of 1,533,892 alleles (0.0002%); highest among the groups gnomAD compares: Non-Finnish European, 0.00026%; no homozygotes.

Submissions (2):

Laboratorio de Genetica e Diagnostico Molecular, Hospital Israelita Albert Einstein
Classification: Likely pathogenic for Arthrogryposis, distal, with impaired proprioception and touch. Last evaluated: 2022-09-09. Review status: criteria provided, single submitter. Criteria: ACMG Guidelines, 2015. Collection method: clinical testing. Allele origin: germline. Affected: yes. Observed: 1 variant allele.
Comment: ACMG classification criteria: PVS1 very strong, PM2 moderated

Dr. Peter K. Rogan Lab, Western University
No classification provided (evidence only). Condition: Familial cancer of breast. Review status: no classification provided. Collection method: in vitro. Allele origin: not applicable. Functional consequence: skipped exon. Not counted in ClinVar's aggregate classification.

NM_001378183.1(PIEZO2):c.4264+1G>A

Gene: PIEZO2 (piezo type mechanosensitive ion channel component 2; minus strand). Cytogenetic location: 18p11.22.
Variant type: single nucleotide variant.
Coding change: c.4264+1G>A on transcript NM_001378183.1 (MANE Select); the canonical splice donor site of the intron after coding-DNA position 4264, G replaced by A.
Molecular consequence: splice donor variant.
Genome position (GRCh38, 1-based): chr18:10,750,090, C>T on the plus strand (G>A on the coding strand, the complement: PIEZO2 is on the minus strand). VCF-style: chr18-10750090-C-T. GRCh37 (hg19) VCF-style: chr18-10750088-C-T.
Other names: NC_000018.9:g.10750088C>T; c.4189+1G>A (NM_022068.4); c.4264+1G>A (NM_001410871.1).
Identifiers: ClinVar variation 2431814 (VCV002431814.2), dbSNP rs771300095, ClinGen allele CA8892458.
Genomic context (GRCh38, chr18:10,750,090, plus strand): 5'-AACAATACAACTATCCTCCCTCTTCTGCCTTTCTGCCTTCACACTTGCTTTTCATACTTA[C>T]GCATTTGATAGCCTTTGACTGTGCAGGCCAGGCTGAAAGCCTGGATCAACCAACAACTAT-3'